The following is an entry in ClinVar:

NM_001378454.1(ALMS1):c.8328G>A (p.Met2776Ile)

Gene: ALMS1 (ALMS1 centrosome and basal body associated protein; plus strand). Cytogenetic location: 2p13.1.
Variant type: single nucleotide variant.
Coding change: c.8328G>A on transcript NM_001378454.1 (MANE Select); coding-DNA position 8328, G replaced by A.
Protein change: p.Met2776Ile; replaces methionine 2776 with isoleucine.
Molecular consequence: missense variant.
Genome position (GRCh38, 1-based): chr2:73,490,287, G>A. VCF-style: chr2-73490287-G-A. GRCh37 (hg19) VCF-style: chr2-73717414-G-A.
Other names: c.8331G>A, p.Met2777Ile (NM_015120.4); short protein forms M2777I, M2776I.
Identifiers: ClinVar variation 1939176 (VCV001939176.5), dbSNP rs775982049, ClinGen allele CA1714448.

ClinVar aggregate classification (germline): Uncertain significance (1 of 4 stars; one submission).

Conditions:
Alstrom syndrome (ALMS). Identifiers: Orphanet 64, MedGen C0268425, MONDO:0008763, OMIM 203800.

Allele frequency attached by ClinVar (database versions not stated): TOPMed below 0.00001; ExAC 0.00001; gnomAD exomes 0.00001.
gnomAD v4.1: 11 of 1,613,374 alleles (0.00068%); highest among the groups gnomAD compares: Non-Finnish European, 0.00068%; no homozygotes.

Submission:

Labcorp Genetics (formerly Invitae), Labcorp
Classification: Uncertain significance for Alstrom syndrome. Last evaluated: 2025-09-05. Review status: criteria provided, single submitter. Criteria: Invitae Variant Classification Sherloc (09022015). Collection method: clinical testing. Allele origin: germline.
Comment: This sequence change replaces methionine, which is neutral and non-polar, with isoleucine, which is neutral and non-polar, at codon 2777 of the ALMS1 protein (p.Met2777Ile). This variant is present in population databases (rs775982049, gnomAD 0.003%). This variant has not been reported in the literature in individuals affected with ALMS1-related conditions. ClinVar contains an entry for this variant (Variation ID: 1939176). Experimental studies and prediction algorithms are not available or were not evaluated, and the functional significance of this variant is currently unknown. In summary, the available evidence is currently insufficient to determine the role of this variant in disease. Therefore, it has been classified as a Variant of Uncertain Significance.